The following is an entry in ClinVar:

ClinVar aggregate classification (germline): Uncertain significance. Review status: criteria provided, multiple submitters, no conflicts (2 of 4 stars). 4 submissions from 4 submitters: Uncertain significance (4). Last evaluated 2024-12-10.

Conditions:
Cardiovascular phenotype. Identifiers: MedGen CN230736.
Hypertrophic cardiomyopathy. Also called: HYPERTROPHIC MYOCARDIOPATHY. Identifiers: Orphanet 217569, MedGen C0007194, MeSH D002312, MONDO:0005045, HP:0001639.
Cardiomyopathy (CMYO). Also called: Cardiomyopathies. Identifiers: Orphanet 167848, MedGen C0878544, MONDO:0004994, HP:0001638. Inheritance: Various modes of inheritance.

Submissions (4):

Color Diagnostics, LLC DBA Color Health
Classification: Uncertain significance for Cardiomyopathy. Last evaluated: 2024-12-10. Review status: criteria provided, single submitter. Criteria: ACMG Guidelines, 2015. Collection method: clinical testing. Allele origin: germline.
Comment: This missense variant replaces aspartic acid with histidine at codon 760 of the MYBPC3 protein. To our knowledge, functional studies have not been reported for this variant. This variant has not been reported in individuals affected with MYBPC3-related disorders in the literature. This variant has not been identified in the general population by the Genome Aggregation Database (gnomAD). The available evidence is insufficient to determine the role of this variant in disease conclusively. Therefore, this variant is classified as a Variant of Uncertain Significance.

Ambry Genetics
Classification: Uncertain significance for Cardiovascular phenotype. Last evaluated: 2023-12-28. Review status: criteria provided, single submitter. Criteria: Ambry Variant Classification Scheme 2023. Collection method: clinical testing. Allele origin: germline.
Comment: The c.2277_2278delGGinsAC variant (also known as p.D760H), located in coding exon 23 of the MYBPC3 gene, results from an in-frame deletion of GG and insertion of AC at nucleotide positions 2277 to 2278. This results in the substitution of the aspartic acid residue for a histidine residue at codon 760, an amino acid with similar properties. This amino acid position is highly conserved in available vertebrate species. In addition, the in silico prediction for this alteration is inconclusive (Choi Y et al. PLoS ONE. 2012; 7(10):e46688). Since supporting evidence is limited at this time, the clinical significance of this alteration remains unclear.

Labcorp Genetics (formerly Invitae), Labcorp
Classification: Uncertain significance for Hypertrophic cardiomyopathy. Last evaluated: 2022-10-08. Review status: criteria provided, single submitter. Criteria: Invitae Variant Classification Sherloc (09022015). Collection method: clinical testing. Allele origin: germline.
Comment: In summary, the available evidence is currently insufficient to determine the role of this variant in disease. Therefore, it has been classified as a Variant of Uncertain Significance. Experimental studies and prediction algorithms are not available or were not evaluated, and the functional significance of this variant is currently unknown. This variant has not been reported in the literature in individuals affected with MYBPC3-related conditions. Information on the frequency of this variant in the gnomAD database is not available, as this variant may be reported differently in the database. This sequence change replaces aspartic acid, which is acidic and polar, with histidine, which is basic and polar, at codon 760 of the MYBPC3 protein (p.Asp760His).

CHEO Genetics Diagnostic Laboratory, Children's Hospital of Eastern Ontario
Classification: Uncertain significance for Cardiomyopathy. Last evaluated: 2021-09-21. Review status: criteria provided, single submitter. Criteria: ACMG Guidelines, 2015. Collection method: clinical testing. Allele origin: germline.

NM_000256.3(MYBPC3):c.2277_2278delinsAC (p.Asp760His)

Gene: MYBPC3 (myosin binding protein C3; minus strand). Cytogenetic location: 11p11.2.
Variant type: Indel.
Coding change: c.2277_2278delinsAC on transcript NM_000256.3 (MANE Select); coding-DNA positions 2277 to 2278, GG replaced by AC.
Protein change: p.Asp760His; replaces aspartic acid 760 with histidine.
Molecular consequence: missense variant.
Genome position (GRCh38, 1-based): chr11:47,338,550-47,338,551, CC replaced by GT on the plus strand (GG replaced by AC on the coding strand, the reverse complement: MYBPC3 is on the minus strand). VCF-style: chr11-47338550-CC-GT. GRCh37 (hg19) VCF-style: chr11-47360101-CC-GT.
Other names: c.2277_2278delGGinsAC (NM_000256.3); short protein forms D760H.
Identifiers: ClinVar variation 1929413 (VCV001929413.9), dbSNP rs2495752224, ClinGen allele CA2580084163.